The following is an entry in ClinVar:

ClinVar aggregate classification (germline): Uncertain significance (1 of 4 stars; one submission).

Conditions:
Hereditary cancer-predisposing syndrome. Also called: Tumor predisposition; Hereditary neoplastic syndrome; Hereditary Cancer Syndrome; Neoplastic Syndromes, Hereditary. Identifiers: Orphanet 140162, MedGen C0027672, MeSH D009386, MONDO:0015356.

Submission:

Ambry Genetics
Classification: Uncertain significance for Hereditary cancer-predisposing syndrome. Last evaluated: 2024-02-20. Review status: criteria provided, single submitter. Criteria: Ambry Variant Classification Scheme 2023. Collection method: clinical testing. Allele origin: germline.
Comment: The p.R672T variant (also known as c.2015G>C), located in coding exon 11 of the ALK gene, results from a G to C substitution at nucleotide position 2015. The arginine at codon 672 is replaced by threonine, an amino acid with similar properties. This amino acid position is conserved. In addition, this alteration is predicted to be tolerated by in silico analysis. Based on the available evidence, the clinical significance of this alteration remains unclear.

NM_004304.5(ALK):c.2015G>C (p.Arg672Thr)

Gene: ALK (ALK receptor tyrosine kinase; minus strand). Cytogenetic location: 2p23.2.
Variant type: single nucleotide variant.
Coding change: c.2015G>C on transcript NM_004304.5 (MANE Select); coding-DNA position 2015, G replaced by C.
Protein change: p.Arg672Thr; replaces arginine 672 with threonine.
Molecular consequence: missense variant.
Genome position (GRCh38, 1-based): chr2:29,275,125, C>G on the plus strand (G>C on the coding strand, the complement: ALK is on the minus strand). VCF-style: chr2-29275125-C-G. GRCh37 (hg19) VCF-style: chr2-29497991-C-G.
Other names: short protein forms R672T.
Identifiers: ClinVar variation 3223815 (VCV003223815.1), dbSNP rs2465331295, ClinGen allele CA346479618.
Genomic context (GRCh38, chr2:29,275,125, plus strand): 5'-TTACTGTGCTCACATTTGTGAGCTGAACCCTTACCTGTAGGGTCAAAGATGGGGGTCTGT[C>G]TTGGTGAATTTTCCCCGGGTTTCAGCTCCTTGTTTGGGTTTCTCTCAAACAGGTTTCTTG-3'
Protein context (NP_004295.2, residues 662-682): KELKPGENSP[Arg672Thr]QTPIFDPTVH